The following is an entry in ClinVar:

ClinVar aggregate classification (germline): Likely pathogenic (1 of 4 stars; one submission).

Conditions:
Cortical dysplasia-focal epilepsy syndrome (PTHSL1). Also called: Pitt-Hopkins-like syndrome 1. Identifiers: Orphanet 163681, Orphanet 221150, MedGen C2750246, MONDO:0012400, OMIM 610042.

Submission:

Labcorp Genetics (formerly Invitae), Labcorp
Classification: Likely pathogenic for Cortical dysplasia-focal epilepsy syndrome. Last evaluated: 2019-06-22. Review status: criteria provided, single submitter. Criteria: Invitae Variant Classification Sherloc (09022015). Collection method: clinical testing. Allele origin: germline.
Comment: This variant results in a copy number gain of the genomic region encompassing exon 15 of the CNTNAP2 gene. While the exact position of this variant cannot be determined from this data, sub-genic copy number gains are generally in tandem (PMID: 25640679) and may result in an absent or disrupted protein product. This variant has not been reported in the literature in individuals with CNTNAP2-related conditions. Loss-of-function variants in CNTNAP2 are known to be pathogenic (PMID: 19896112, 21827697, 25045150, 26843181, 27439707). In summary, the currently available evidence indicates that the variant is pathogenic, but additional data are needed to prove that conclusively. Therefore, this variant has been classified as Likely Pathogenic.

Literature cited by the submitters: PubMed 25640679; PubMed 19896112; PubMed 21827697; PubMed 25045150; PubMed 26843181; PubMed 27439707.

NC_000007.14:g.(?_147977842)_(147978009_?)dup

Gene: CNTNAP2 (contactin associated protein 2; plus strand). Cytogenetic location: 7q35.
Variant type: Duplication.
Identifiers: ClinVar variation 832667 (VCV000832667.2).